The following is an entry in ClinVar:

NM_001393586.1(MYO7B):c.4951G>A (p.Asp1651Asn)

Gene: MYO7B (myosin VIIB; plus strand). Cytogenetic location: 2q14.3.
Variant type: single nucleotide variant.
Coding change: c.4951G>A on transcript NM_001393586.1 (MANE Select); coding-DNA position 4951, G replaced by A.
Protein change: p.Asp1651Asn; replaces aspartic acid 1651 with asparagine.
Molecular consequence: missense variant.
Genome position (GRCh38, 1-based): chr2:127,631,219, G>A. VCF-style: chr2-127631219-G-A. GRCh37 (hg19) VCF-style: chr2-128388794-G-A.
Other names: c.4873G>A, p.Asp1625Asn (NM_001080527.2); c.1432G>A, p.Asp478Asn (NM_001393594.1); short protein forms D1625N, D1651N, D478N.
Identifiers: ClinVar variation 3040336 (VCV003040336.2), dbSNP rs142758251, ClinGen allele CA1862078.
Genomic context (GRCh38, chr2:127,631,219, plus strand): 5'-CAGAGAAGGCCACAGGGCAGGCCTCACACCAGCCTCTAACCTCACAGGGCTCCAGAGAAG[G>A]ACATGGTGAGCATGGCCGTGCTGCCCCTGGCCCGTGCCCGTGGCCACCTGTGGGCCTATT-3'
Protein context (NP_001380515.1, residues 1641-1661): SYEFFRAPEK[Asp1651Asn]MVSMAVLPLA

ClinVar aggregate classification (germline): Benign (0 of 4 stars; one submission).

Conditions:
MYO7B-related disorder. Also called: MYO7B-related condition.

Allele frequency attached by ClinVar (database versions not stated): gnomAD exomes 0.00055; ExAC 0.00166; gnomAD 0.00528; 1000 Genomes Project 30x 0.00562; ESP Exome Variant Server 0.00573; TOPMed 0.00579; 1000 Genomes Project 0.00639.
gnomAD v4.1: 1,634 of 1,604,686 alleles (0.1%); highest among the groups gnomAD compares: African/African-American, 1.8%; 14 homozygotes.

Submission:

PreventionGenetics, part of Exact Sciences
Classification: Benign for MYO7B-related condition. Last evaluated: 2019-09-25. Review status: no assertion criteria provided. Collection method: clinical testing. Allele origin: germline.
Comment: This variant is classified as benign based on ACMG/AMP sequence variant interpretation guidelines (Richards et al. 2015 PMID: 25741868, with internal and published modifications).